The following is an entry in ClinVar:

NM_182916.3(TRNT1):c.907C>G (p.Gln303Glu)

Gene: TRNT1 (tRNA nucleotidyl transferase 1; plus strand). Cytogenetic location: 3p26.2.
Variant type: single nucleotide variant.
Coding change: c.907C>G on transcript NM_182916.3 (MANE Select); coding-DNA position 907, C replaced by G.
Protein change: p.Gln303Glu; replaces glutamine 303 with glutamic acid.
Molecular consequence: missense variant. On other transcripts: non-coding transcript variant (8).
Genome position (GRCh38, 1-based): chr3:3,147,554, C>G. VCF-style: chr3-3147554-C-G. GRCh37 (hg19) VCF-style: chr3-3189238-C-G.
Other names: c.847C>G, p.Gln283Glu (NM_001302946.2); c.907C>G, p.Gln303Glu (NM_001367321.1, NM_001367322.1, NM_001367323.1); short protein forms Q283E, Q303E.
Identifiers: ClinVar variation 1015037 (VCV001015037.5), dbSNP rs1706127064, ClinGen allele CA351447633.

ClinVar aggregate classification (germline): Uncertain significance (1 of 4 stars; one submission).

Conditions:
Congenital sideroblastic anemia-B-cell immunodeficiency-periodic fever-developmental delay syndrome. Also called: Sideroblastic anemia with B-cell immunodeficiency, periodic fevers, and developmental delay. Identifiers: Orphanet 369861, MedGen C4015172, MONDO:0014487, OMIM 616084.

Submission:

Labcorp Genetics (formerly Invitae), Labcorp
Classification: Uncertain significance for Congenital sideroblastic anemia-B-cell immunodeficiency-periodic fever-developmental delay syndrome. Last evaluated: 2024-02-08. Review status: criteria provided, single submitter. Criteria: Invitae Variant Classification Sherloc (09022015). Collection method: clinical testing. Allele origin: germline.
Comment: This sequence change replaces glutamine, which is neutral and polar, with glutamic acid, which is acidic and polar, at codon 303 of the TRNT1 protein (p.Gln303Glu). This variant is not present in population databases (gnomAD no frequency). This variant has not been reported in the literature in individuals affected with TRNT1-related conditions. ClinVar contains an entry for this variant (Variation ID: 1015037). Advanced modeling of protein sequence and biophysical properties (such as structural, functional, and spatial information, amino acid conservation, physicochemical variation, residue mobility, and thermodynamic stability) performed at Invitae indicates that this missense variant is not expected to disrupt TRNT1 protein function with a negative predictive value of 80%. In summary, the available evidence is currently insufficient to determine the role of this variant in disease. Therefore, it has been classified as a Variant of Uncertain Significance.